The following is an entry in ClinVar:

NM_000260.4(MYO7A):c.2554G>T (p.Ala852Ser)

Gene: MYO7A (myosin VIIA; plus strand). Cytogenetic location: 11q13.5.
Variant type: single nucleotide variant.
Coding change: c.2554G>T on transcript NM_000260.4 (MANE Select); coding-DNA position 2554, G replaced by T.
Protein change: p.Ala852Ser; replaces alanine 852 with serine.
Molecular consequence: missense variant.
Genome position (GRCh38, 1-based): chr11:77,179,921, G>T. VCF-style: chr11-77179921-G-T. GRCh37 (hg19) VCF-style: chr11-76890967-G-T.
Other names: c.2554G>T, p.Ala852Ser (NM_001127180.2); c.2521G>T, p.Ala841Ser (NM_001369365.1); short protein forms A841S, A852S.
Identifiers: ClinVar variation 2105625 (VCV002105625.4), dbSNP rs541743025, ClinGen allele CA381941998.

ClinVar aggregate classification (germline): Uncertain significance (1 of 4 stars; one submission).

Submission:

Labcorp Genetics (formerly Invitae), Labcorp
Classification: Uncertain significance. Last evaluated: 2022-07-23. Review status: criteria provided, single submitter. Criteria: Invitae Variant Classification Sherloc (09022015). Collection method: clinical testing. Allele origin: germline.
Comment: Advanced modeling of protein sequence and biophysical properties (such as structural, functional, and spatial information, amino acid conservation, physicochemical variation, residue mobility, and thermodynamic stability) performed at Invitae indicates that this missense variant is expected to disrupt MYO7A protein function. In summary, the available evidence is currently insufficient to determine the role of this variant in disease. Therefore, it has been classified as a Variant of Uncertain Significance. This variant has not been reported in the literature in individuals affected with MYO7A-related conditions. This variant is present in population databases (no rsID available, gnomAD 0.007%). This sequence change replaces alanine, which is neutral and non-polar, with serine, which is neutral and polar, at codon 852 of the MYO7A protein (p.Ala852Ser).